The following is an entry in ClinVar:

ClinVar aggregate classification (germline): Uncertain significance (1 of 4 stars; one submission).

Conditions:
Carnitine palmitoyltransferase II deficiency. Also called: Carnitine Palmitoyltransferase 2 Deficiency. Identifiers: Orphanet 157, MedGen C0342790, MONDO:0015515.

Allele frequency attached by ClinVar (database versions not stated): gnomAD exomes below 0.00001.
gnomAD v4.1: 1 of 1,614,164 alleles (0.000062%); highest among the groups gnomAD compares: South Asian, 0.0011%; no homozygotes.

Submission:

Labcorp Genetics (formerly Invitae), Labcorp
Classification: Uncertain significance for Carnitine palmitoyltransferase II deficiency. Last evaluated: 2021-05-04. Review status: criteria provided, single submitter. Criteria: Invitae Variant Classification Sherloc (09022015). Collection method: clinical testing. Allele origin: germline.
Comment: Advanced modeling of protein sequence and biophysical properties (such as structural, functional, and spatial information, amino acid conservation, physicochemical variation, residue mobility, and thermodynamic stability) performed at Invitae indicates that this missense variant is not expected to disrupt CPT2 protein function. This variant has not been reported in the literature in individuals with CPT2-related conditions. This variant is not present in population databases (ExAC no frequency). This sequence change replaces threonine with isoleucine at codon 187 of the CPT2 protein (p.Thr187Ile). The threonine residue is moderately conserved and there is a moderate physicochemical difference between threonine and isoleucine. In summary, the available evidence is currently insufficient to determine the role of this variant in disease. Therefore, it has been classified as a Variant of Uncertain Significance.

NM_000098.3(CPT2):c.560C>T (p.Thr187Ile)

Gene: CPT2 (carnitine palmitoyltransferase 2; plus strand). Cytogenetic location: 1p32.3.
Variant type: single nucleotide variant.
Coding change: c.560C>T on transcript NM_000098.3 (MANE Select); coding-DNA position 560, C replaced by T.
Protein change: p.Thr187Ile; replaces threonine 187 with isoleucine.
Molecular consequence: missense variant.
Genome position (GRCh38, 1-based): chr1:53,210,234, C>T. VCF-style: chr1-53210234-C-T. GRCh37 (hg19) VCF-style: chr1-53675906-C-T.
Other names: c.560C>T, p.Thr187Ile (NM_001330589.2); short protein forms T187I.
Identifiers: ClinVar variation 1488671 (VCV001488671.8), dbSNP rs2100272068, ClinGen allele CA340392677.